The following is an entry in ClinVar:

ClinVar aggregate classification (germline): Pathogenic (1 of 4 stars; one submission).

Submission:

Labcorp Genetics (formerly Invitae), Labcorp
Classification: Pathogenic. Last evaluated: 2023-11-03. Review status: criteria provided, single submitter. Criteria: Invitae Variant Classification Sherloc (09022015). Collection method: clinical testing. Allele origin: germline.
Comment: This sequence change creates a premature translational stop signal (p.His140Leufs*2) in the IARS2 gene. It is expected to result in an absent or disrupted protein product. Loss-of-function variants in IARS2 are known to be pathogenic (PMID: 33327715). This variant is present in population databases (no rsID available, gnomAD 0.01%). This variant has not been reported in the literature in individuals affected with IARS2-related conditions. For these reasons, this variant has been classified as Pathogenic.

Literature cited by the submitters: PubMed 33327715.

NM_018060.4(IARS2):c.419del (p.His140fs)

Gene: IARS2 (isoleucyl-tRNA synthetase 2, mitochondrial; plus strand). Cytogenetic location: 1q41.
Variant type: Deletion.
Coding change: c.419del on transcript NM_018060.4 (MANE Select); coding-DNA position 419, one base deleted (A; older notation c.419delA).
Protein change: p.His140fs; shifts the reading frame from histidine 140.
Molecular consequence: frameshift variant.
Genome position (GRCh38, 1-based): chr1:220,100,518, A deleted. VCF-style (leftmost placement, unchanged base first): chr1-220100517-CA-C. GRCh37 (hg19) VCF-style: chr1-220273859-CA-C.
Other names: short protein forms H140fs.
Identifiers: ClinVar variation 2831739 (VCV002831739.3), dbSNP rs1306059500, ClinGen allele CA529060917.